The following is an entry in ClinVar:

NM_005138.3(SCO2):c.327_328del (p.His109fs)

Genes: NCAPH2 (non-SMC condensin II complex subunit H2; plus strand), SCO2 (synthesis of cytochrome C oxidase 2; minus strand). Cytogenetic location: 22q13.33.
Variant type: Microsatellite.
Coding change: c.327_328del on transcript NM_005138.3 (MANE Select); coding-DNA positions 327 to 328, 2 bases deleted (CA; older notation c.327_328delCA).
Protein change: p.His109fs; shifts the reading frame from histidine 109.
Molecular consequence: frameshift variant. On other transcripts: 3 prime UTR variant (2).
Genome position (GRCh38, 1-based): chr22:50,524,084-50,524,085, TG deleted on the plus strand (CA on the coding strand, the reverse complement: SCO2 is on the minus strand); deleting any 2 consecutive bases within chr22:50,524,084-50,524,087 gives the same sequence; the c. name uses the placement nearest the transcript's 3' end. VCF-style (leftmost placement, unchanged base first): chr22-50524083-CTG-C. GRCh37 (hg19) VCF-style: chr22-50962512-CTG-C.
Other names: c.*709TG[1] (NM_001185011.2, NM_152299.4); c.327_328del, p.His109fs (NM_001169109.2, NM_001169110.1, NM_001169111.2); short protein forms H109fs.
Identifiers: ClinVar variation 1517419 (VCV001517419.10), dbSNP rs1403421269, ClinGen allele CA640357309.

ClinVar aggregate classification (germline): Pathogenic/Likely pathogenic. Review status: criteria provided, multiple submitters, no conflicts (2 of 4 stars). 3 submissions from 3 submitters: Pathogenic (1); Likely pathogenic (2). Last evaluated 2025-09-16.

Conditions:
Cardioencephalomyopathy, fatal infantile, due to cytochrome c oxidase deficiency 1 (MC4DN2). Also called: CYTOCHROME c OXIDASE DEFICIENCY, FATAL INFANTILE, WITH CARDIOENCEPHALOMYOPATHY; MITOCHONDRIAL COMPLEX IV DEFICIENCY, NUCLEAR TYPE 2. Identifiers: Orphanet 1561, MedGen C5399977, MONDO:0011451, OMIM 604377.

Submissions (3):

Labcorp Genetics (formerly Invitae), Labcorp
Classification: Pathogenic. Last evaluated: 2025-09-16. Review status: criteria provided, single submitter. Criteria: Invitae Variant Classification Sherloc (09022015). Collection method: clinical testing. Allele origin: germline.
Comment: This sequence change creates a premature translational stop signal (p.His109Glnfs*9) in the SCO2 gene. While this is not anticipated to result in nonsense mediated decay, it is expected to disrupt the last 158 amino acid(s) of the SCO2 protein. This variant is present in population databases (no rsID available, gnomAD 0.0009%). This variant has not been reported in the literature in individuals affected with SCO2-related conditions. ClinVar contains an entry for this variant (Variation ID: 1517419). This variant disrupts a region of the SCO2 protein in which other variant(s) (p.Gly193Ser) have been determined to be pathogenic (PMID: 19353847, 29193756, 32600061). This suggests that this is a clinically significant region of the protein, and that variants that disrupt it are likely to be disease-causing. For these reasons, this variant has been classified as Pathogenic.

GeneDx
Classification: Likely pathogenic. Last evaluated: 2025-05-13. Review status: criteria provided, single submitter. Criteria: GeneDx Variant Classification Process June 2021. Collection method: clinical testing. Allele origin: germline. Affected: yes.
Comment: Identified as a de novo variant in a patient with congenital hydrocephalus; however, detailed clinical information was not provided and a second variant in the SCO2 gene was not reported (PMID: 33077954); Frameshift variant predicted to result in abnormal protein length as the last 158 amino acid(s) are replaced with 8 different amino acid(s), and other similar variants have been reported in HGMD; Not observed at significant frequency in large population cohorts (gnomAD); This variant is associated with the following publications: (PMID: 33077954)

Baylor Genetics
Classification: Likely pathogenic for Cardioencephalomyopathy, fatal infantile, due to cytochrome c oxidase deficiency 1. Last evaluated: 2024-02-05. Review status: criteria provided, single submitter. Criteria: ACMG Guidelines, 2015. Collection method: clinical testing. Allele origin: unknown.

Literature cited by the submitters: PubMed 19353847 (cited by Labcorp Genetics (formerly Invitae), Labcorp); PubMed 29193756 (cited by Labcorp Genetics (formerly Invitae), Labcorp); PubMed 32600061 (cited by Labcorp Genetics (formerly Invitae), Labcorp).